The following is an entry in ClinVar:

ClinVar aggregate classification (germline): Uncertain significance. Review status: criteria provided, multiple submitters, no conflicts (2 of 4 stars). 3 submissions from 3 submitters: Uncertain significance (2). 1 of the submissions does not count toward it. Last evaluated 2025-02-21.

Conditions:
Hereditary cancer-predisposing syndrome. Also called: Tumor predisposition; Hereditary neoplastic syndrome; Neoplastic Syndromes, Hereditary; Hereditary Cancer Syndrome. Identifiers: Orphanet 140162, MedGen C0027672, MeSH D009386, MONDO:0015356.
Tuberous sclerosis 2 (TSC2). Identifiers: Orphanet 805, MedGen C1860707, MONDO:0013199, OMIM 613254.

Submissions (3):

Ambry Genetics
Classification: Uncertain significance for Hereditary cancer-predisposing syndrome. Last evaluated: 2025-02-21. Review status: criteria provided, single submitter. Criteria: Ambry Variant Classification Scheme 2023. Collection method: clinical testing. Allele origin: germline.
Comment: The p.L1445F variant (also known as c.4335G>T), located in coding exon 33 of the TSC2 gene, results from a G to T substitution at nucleotide position 4335. The leucine at codon 1445 is replaced by phenylalanine, an amino acid with highly similar properties. This amino acid position is not well conserved in available vertebrate species. In addition, the in silico prediction for this alteration is inconclusive. Based on the available evidence, the clinical significance of this variant remains unclear.

Labcorp Genetics (formerly Invitae), Labcorp
Classification: Uncertain significance for Tuberous sclerosis 2. Last evaluated: 2022-05-14. Review status: criteria provided, single submitter. Criteria: Invitae Variant Classification Sherloc (09022015). Collection method: clinical testing. Allele origin: germline.
Comment: This sequence change replaces leucine, which is neutral and non-polar, with phenylalanine, which is neutral and non-polar, at codon 1445 of the TSC2 protein (p.Leu1445Phe). This variant is not present in population databases (gnomAD no frequency). This variant has not been reported in the literature in individuals affected with TSC2-related conditions. ClinVar contains an entry for this variant (Variation ID: 135387). Advanced modeling of protein sequence and biophysical properties (such as structural, functional, and spatial information, amino acid conservation, physicochemical variation, residue mobility, and thermodynamic stability) performed at Invitae indicates that this missense variant is not expected to disrupt TSC2 protein function. In summary, the available evidence is currently insufficient to determine the role of this variant in disease. Therefore, it has been classified as a Variant of Uncertain Significance.

ITMI
No classification provided. Condition: AllHighlyPenetrant. Last evaluated: 2013-09-19. Review status: no classification provided. Collection method: reference population. Allele origin: germline. Not counted in ClinVar's aggregate classification.
Comment: Please see associated publication for description of ethnicities

Literature cited by the submitters: PubMed 24728327 (cited by ITMI).

NM_000548.5(TSC2):c.4335G>T (p.Leu1445Phe)

Gene: TSC2 (TSC complex subunit 2; plus strand). Cytogenetic location: 16p13.3.
Variant type: single nucleotide variant.
Coding change: c.4335G>T on transcript NM_000548.5 (MANE Select); coding-DNA position 4335, G replaced by T.
Protein change: p.Leu1445Phe; replaces leucine 1445 with phenylalanine.
Molecular consequence: missense variant.
Genome position (GRCh38, 1-based): chr16:2,084,557, G>T. VCF-style: chr16-2084557-G-T. GRCh37 (hg19) VCF-style: chr16-2134558-G-T.
Other names: c.4134G>T, p.Leu1378Phe (NM_001077183.3); c.4266G>T, p.Leu1422Phe (NM_001114382.3); c.4026G>T, p.Leu1342Phe (NM_001318827.2); c.3990G>T, p.Leu1330Phe (NM_001318829.2); c.3603G>T, p.Leu1201Phe (NM_001318831.2); c.4167G>T, p.Leu1389Phe (NM_001318832.2); c.4137G>T, p.Leu1379Phe (NM_001363528.2); c.4203G>T, p.Leu1401Phe (NM_001370404.1); and 2 more; short protein forms L1445F, L1378F, L1379F, L1389F, L1330F, L1401F, L1342F, L1422F.
Identifiers: ClinVar variation 135387 (VCV000135387.10), dbSNP rs587778739, ClinGen allele CA020290.
Genomic context (GRCh38, chr16:2,084,557, plus strand): 5'-GGAAAGTGCTGCCTGGTCGGCCTCGGGCGAAGACAGTCGGGGCCAGCCCGAGGGTCCCTT[G>T]CCTTCCAGCTCCCCCCGCTCGCCCAGTGGCCTCCGGCCCCGAGGTTACACCATCTCCGAC-3'
Protein context (NP_000539.2, residues 1435-1455): EDSRGQPEGP[Leu1445Phe]PSSSPRSPSG